The following is an entry in ClinVar:

ClinVar aggregate classification (germline): Uncertain significance (1 of 4 stars; one submission).

Submission:

Women's Health and Genetics/Laboratory Corporation of America, LabCorp
Classification: Uncertain significance. Last evaluated: 2025-09-04. Review status: criteria provided, single submitter. Criteria: LabCorp Variant Classification Summary - May 2015. Collection method: clinical testing. Allele origin: germline.
Comment: Variant summary: DOCK6 c.3736T>C (p.Ser1246Pro) results in a non-conservative amino acid change in the encoded protein sequence. Algorithms developed to predict the effect of missense changes on protein structure and function are either unavailable or do not agree on the potential impact of this missense change. The variant was absent in 247446 control chromosomes. The available data on variant occurrences in the general population are insufficient to allow any conclusion about variant significance. To our knowledge, no occurrence of c.3736T>C in individuals affected with DOCK6-related conditions and no experimental evidence demonstrating its impact on protein function have been reported. No submitters have cited clinical-significance assessments for this variant to ClinVar. Based on the evidence outlined above, the variant was classified as uncertain significance.

NM_020812.4(DOCK6):c.3736T>C (p.Ser1246Pro)

Genes: DOCK6 (dedicator of cytokinesis 6; minus strand), DOCK6-AS1 (DOCK6 antisense RNA 1; plus strand). Cytogenetic location: 19p13.2.
Variant type: single nucleotide variant.
Coding change: c.3736T>C on transcript NM_020812.4 (MANE Select); coding-DNA position 3736, T replaced by C.
Protein change: p.Ser1246Pro; replaces serine 1246 with proline.
Molecular consequence: missense variant.
Genome position (GRCh38, 1-based): chr19:11,217,072, A>G on the plus strand (T>C on the coding strand, the complement: DOCK6 is on the minus strand). VCF-style: chr19-11217072-A-G. GRCh37 (hg19) VCF-style: chr19-11327748-A-G.
Other names: c.3841T>C, p.Ser1281Pro (NM_001367830.1); short protein forms S1246P, S1281P.
Identifiers: ClinVar variation 4535820 (VCV004535820.1).